The following is an entry in ClinVar:

NM_001370259.2(MEN1):c.1380A>G (p.Arg460=)

Gene: MEN1 (menin 1; minus strand). Cytogenetic location: 11q13.1.
Variant type: single nucleotide variant.
Coding change: c.1380A>G on transcript NM_001370259.2 (MANE Select); coding-DNA position 1380, A replaced by G.
Protein change: p.Arg460=; no amino-acid change (arginine 460 retained).
Molecular consequence: synonymous variant.
Genome position (GRCh38, 1-based): chr11:64,804,787, T>C on the plus strand (A>G on the coding strand, the complement: MEN1 is on the minus strand). VCF-style: chr11-64804787-T-C. GRCh37 (hg19) VCF-style: chr11-64572259-T-C.
Other names: c.1395A>G, p.Arg465= (NM_000244.4, NM_130800.3, NM_130801.3 and 3 more transcripts); c.1506A>G, p.Arg502= (NM_001370251.2); c.1380A>G, p.Arg460= (NM_001370260.2, NM_001370261.2, NM_130799.3); c.1275A>G, p.Arg425= (NM_001370262.2, NM_001370263.2); c.1380A>G (NM_130799.2).
Identifiers: ClinVar variation 1084472 (VCV001084472.11), dbSNP rs2136093385, ClinGen allele CA475163610.

ClinVar aggregate classification (germline): Benign/Likely benign. Review status: criteria provided, multiple submitters, no conflicts (2 of 4 stars). 3 submissions from 3 submitters: Benign (1); Likely benign (2). Last evaluated 2025-01-06.

Conditions:
Multiple endocrine neoplasia, type 1 (MEN1). Also called: MEN I; WERMER SYNDROME; Endocrine adenomatosis multiple; MEN 1; MEA I. Identifiers: Orphanet 652, MedGen C0025267, MeSH D018761, MONDO:0007540, OMIM 131100.
Hereditary cancer-predisposing syndrome. Also called: Neoplastic Syndromes, Hereditary; Hereditary neoplastic syndrome; Hereditary Cancer Syndrome; Tumor predisposition. Identifiers: Orphanet 140162, MedGen C0027672, MeSH D009386, MONDO:0015356.

Submissions (3):

Ambry Genetics
Classification: Likely benign for Hereditary cancer-predisposing syndrome. Last evaluated: 2025-01-06. Review status: criteria provided, single submitter. Criteria: Ambry Variant Classification Scheme 2023. Collection method: clinical testing. Allele origin: germline.

Myriad Genetics, Inc.
Classification: Benign for Multiple endocrine neoplasia, type 1. Last evaluated: 2024-11-05. Review status: criteria provided, single submitter. Criteria: Myriad Autosomal Dominant, Autosomal Recessive and X-Linked Classification Criteria (2023). Collection method: clinical testing. Allele origin: unknown.
Comment: This variant is considered benign. This variant is a silent/synonymous amino acid change and it is not expected to impact splicing.

Labcorp Genetics (formerly Invitae), Labcorp
Classification: Likely benign for Multiple endocrine neoplasia, type 1. Last evaluated: 2021-06-04. Review status: criteria provided, single submitter. Criteria: Invitae Variant Classification Sherloc (09022015). Collection method: clinical testing. Allele origin: germline.